The following is an entry in ClinVar:

NM_001613.4(ACTA2):c.809-19G>A

Genes: ACTA2 (actin alpha 2, smooth muscle; minus strand), ACTA2-AS1 (ACTA2 antisense RNA 1; plus strand). Cytogenetic location: 10q23.31.
Variant type: single nucleotide variant.
Coding change: c.809-19G>A on transcript NM_001613.4 (MANE Select); 19 bases into the intron before coding-DNA position 809, G replaced by A.
Molecular consequence: intron variant. On other transcripts: non-coding transcript variant (1).
Genome position (GRCh38, 1-based): chr10:88,938,261, C>T on the plus strand (G>A on the coding strand, the complement: ACTA2 is on the minus strand). VCF-style: chr10-88938261-C-T. GRCh37 (hg19) VCF-style: chr10-90698018-C-T.
Other names: c.680-19G>A (NM_001406467.1, NM_001406468.1, NM_001406469.1); c.809-19G>A (NM_001320855.2, NM_001406462.1, NM_001141945.3 and 2 more transcripts); c.617-19G>A (NM_001406471.1); c.698-19G>A (NM_001406466.1).
Identifiers: ClinVar variation 512833 (VCV000512833.6), dbSNP rs1364730695, ClinGen allele CA470729985.
Genomic context (GRCh38, chr10:88,938,261, plus strand): 5'-TGCTGTTGTAGGTGGTTTCATGGATGCCAGCAGACTCCATCCCTGGAAAAGAGACACAGG[C>T]CATGGTCCTTAAGTGGAGAGTAAAACCCAGGCTAGACATGGAAGACCAGACTTGAACATC-3'

ClinVar aggregate classification (germline): Likely benign. Review status: criteria provided, multiple submitters, no conflicts (2 of 4 stars). 2 submissions from 2 submitters: Likely benign (2). Last evaluated 2025-02-20.

Conditions:
Aortic aneurysm, familial thoracic 6 (AAT6). Also called: FAMILIAL THORACIC AORTIC ANEURYSM WITH LIVEDO RETICULARIS AND IRIS FLOCCULI. Identifiers: MedGen C2673186, MONDO:0012730, OMIM 611788.

Allele frequency attached by ClinVar (database versions not stated): TOPMed below 0.00001; gnomAD 0.00001; gnomAD exomes 0.00001.
gnomAD v4.1: 14 of 1,613,696 alleles (0.00087%); highest among the groups gnomAD compares: Non-Finnish European, 0.0012%; no homozygotes.

Submissions (2):

Labcorp Genetics (formerly Invitae), Labcorp
Classification: Likely benign for Aortic aneurysm, familial thoracic 6. Last evaluated: 2025-02-20. Review status: criteria provided, single submitter. Criteria: Invitae Variant Classification Sherloc (09022015). Collection method: clinical testing. Allele origin: germline.

GeneDx
Classification: Likely benign. Last evaluated: 2017-10-24. Review status: criteria provided, single submitter. Criteria: GeneDx Variant Classification (06012015). Collection method: clinical testing. Allele origin: germline. Affected: yes.
Comment: This variant is considered likely benign or benign based on one or more of the following criteria: it is a conservative change, it occurs at a poorly conserved position in the protein, it is predicted to be benign by multiple in silico algorithms, and/or has population frequency not consistent with disease.